The following is an entry in ClinVar:

ClinVar aggregate classification (germline): Likely benign. Review status: criteria provided, multiple submitters, no conflicts (2 of 4 stars). 2 submissions from 2 submitters: Likely benign (2). Last evaluated 2018-01-12.

Conditions:
Pigmentary retinal dystrophy. Also called: Fundus albipunctatus. Identifiers: Orphanet 227796, Orphanet 52427, MedGen C0311338, MONDO:0007639, OMIM 136880, HP:0030642.

Allele frequency attached by ClinVar (database versions not stated): ExAC 0.00158; gnomAD 0.00464 and 0.00496; 1000 Genomes Project 0.00479; 1000 Genomes Project 30x 0.00484; TOPMed 0.00522; ESP Exome Variant Server 0.00546; gnomAD exomes 0.00047 and 0.00128.
gnomAD v4.1: 1,396 of 1,602,212 alleles (0.087%); highest among the groups gnomAD compares: African/African-American, 1.7%; 11 homozygotes.

Submissions (2):

Illumina Laboratory Services, Illumina
Classification: Likely benign for Pigmentary retinal dystrophy. Last evaluated: 2018-01-12. Review status: criteria provided, single submitter. Criteria: ICSL Variant Classification Criteria 13 December 2019. Collection method: clinical testing. Allele origin: germline.
Comment: This variant was observed in the ICSL laboratory as part of a predisposition screen in an ostensibly healthy population. It had not been previously curated by ICSL or reported in the Human Gene Mutation Database (HGMD: prior to June 1st, 2018), and was therefore a candidate for classification through an automated scoring system. Utilizing variant allele frequency, disease prevalence and penetrance estimates, and inheritance mode, an automated score was calculated to assess if this variant is too frequent to cause the disease. Based on the score and internal cut-off values, a variant classified as likely benign is not then subjected to further curation. The score for this variant resulted in a classification of likely benign for this disease.

GeneDx
Classification: Likely benign. Last evaluated: 2016-05-13. Review status: criteria provided, single submitter. Criteria: GeneDx Variant Classification (06012015). Collection method: clinical testing. Allele origin: germline. Affected: yes.
Comment: This variant is considered likely benign or benign based on one or more of the following criteria: it is a conservative change, it occurs at a poorly conserved position in the protein, it is predicted to be benign by multiple in silico algorithms, and/or has population frequency not consistent with disease.

NM_002905.5(RDH5):c.-32-9C>T

Genes: BLOC1S1-RDH5 (BLOC1S1-RDH5 readthrough; plus strand), RDH5 (retinol dehydrogenase 5; plus strand). Cytogenetic location: 12q13.2.
Variant type: single nucleotide variant.
Coding change: c.-32-9C>T on transcript NM_002905.5 (MANE Select); 9 bases into the intron before 32 bases upstream of the start codon, C replaced by T.
Molecular consequence: intron variant.
Genome position (GRCh38, 1-based): chr12:55,721,144, C>T. VCF-style: chr12-55721144-C-T. GRCh37 (hg19) VCF-style: chr12-56114928-C-T.
Other names: c.-37-4C>T (NM_001199771.3).
Identifiers: ClinVar variation 386306 (VCV000386306.5), dbSNP rs201563497, ClinGen allele CA6616717.